The following is an entry in ClinVar:

NM_001044.5(SLC6A3):c.661G>A (p.Val221Met)

Gene: SLC6A3 (solute carrier family 6 member 3). Cytogenetic location: 5p15.33.
Variant type: single nucleotide variant.
Coding change: c.661G>A on transcript NM_001044.5 (MANE Select); coding-DNA position 661, G replaced by A.
Protein change: p.Val221Met; replaces valine 221 with methionine.
Molecular consequence: missense variant.
Genome position (GRCh38, 1-based): chr5:1,422,007, C>T on the plus strand (G>A on the coding strand, the complement: SLC6A3 is on the minus strand). VCF-style: chr5-1422007-C-T. GRCh37 (hg19) VCF-style: chr5-1422122-C-T.
Other names: short protein forms V221M.
Identifiers: ClinVar variation 650178 (VCV000650178.48), dbSNP rs138948519, ClinGen allele CA3186292.

ClinVar aggregate classification (germline): Uncertain significance (1 of 4 stars; one submission).

Conditions:
Parkinsonism-dystonia, infantile. Identifiers: Orphanet 238455, MedGen C2751067, MONDO:0013150.

Allele frequency attached by ClinVar (database versions not stated): TOPMed 0.00001; gnomAD 0.00002; gnomAD exomes 0.00003; ExAC 0.00005; ESP Exome Variant Server 0.00008.
gnomAD v4.1: 50 of 1,611,792 alleles (0.0031%); highest among the groups gnomAD compares: Middle Eastern, 0.016%; no homozygotes.

Submission:

Labcorp Genetics (formerly Invitae), Labcorp
Classification: Uncertain significance for Parkinsonism-dystonia, infantile. Last evaluated: 2018-10-04. Review status: criteria provided, single submitter. Criteria: Invitae Variant Classification Sherloc (09022015). Collection method: clinical testing. Allele origin: germline.
Comment: This variant has not been reported in the literature in individuals with SLC6A3-related disease. This sequence change replaces valine with methionine at codon 221 of the SLC6A3 protein (p.Val221Met). The valine residue is highly conserved and there is a small physicochemical difference between valine and methionine. This variant is present in population databases (rs138948519, ExAC 0.02%). Algorithms developed to predict the effect of missense changes on protein structure and function are either unavailable or do not agree on the potential impact of this missense change (SIFT: "Deleterious"; PolyPhen-2: "Possibly Damaging"; Align-GVGD: "Class C0"). In summary, the available evidence is currently insufficient to determine the role of this variant in disease. Therefore, it has been classified as a Variant of Uncertain Significance.